The following is an entry in ClinVar:

ClinVar aggregate classification (germline): Uncertain significance (1 of 4 stars; one submission).

gnomAD v4.1: 1 of 1,551,058 alleles (0.000064%); highest among the groups gnomAD compares: East Asian, 0.0024%; no homozygotes.

Submission:

Labcorp Genetics (formerly Invitae), Labcorp
Classification: Uncertain significance. Last evaluated: 2022-03-17. Review status: criteria provided, single submitter. Criteria: Invitae Variant Classification Sherloc (09022015). Collection method: clinical testing. Allele origin: germline.
Comment: Algorithms developed to predict the effect of missense changes on protein structure and function (SIFT, PolyPhen-2, Align-GVGD) all suggest that this variant is likely to be tolerated. In summary, the available evidence is currently insufficient to determine the role of this variant in disease. Therefore, it has been classified as a Variant of Uncertain Significance. This variant has not been reported in the literature in individuals affected with REPS1-related conditions. This variant is not present in population databases (gnomAD no frequency). This sequence change replaces isoleucine, which is neutral and non-polar, with methionine, which is neutral and non-polar, at codon 23 of the REPS1 protein (p.Ile23Met).

NM_001286611.2(REPS1):c.69T>G (p.Ile23Met)

Gene: REPS1 (RALBP1 associated Eps domain containing 1; minus strand). Cytogenetic location: 6q24.1.
Variant type: single nucleotide variant.
Coding change: c.69T>G on transcript NM_001286611.2 (MANE Select); coding-DNA position 69, T replaced by G.
Protein change: p.Ile23Met; replaces isoleucine 23 with methionine.
Molecular consequence: missense variant.
Genome position (GRCh38, 1-based): chr6:138,987,614, A>C on the plus strand (T>G on the coding strand, the complement: REPS1 is on the minus strand). VCF-style: chr6-138987614-A-C. GRCh37 (hg19) VCF-style: chr6-139308751-A-C.
Other names: c.69T>G, p.Ile23Met (NM_031922.5, NM_001128617.3, NM_001286612.2); short protein forms I23M.
Identifiers: ClinVar variation 1919272 (VCV001919272.5), dbSNP rs1331357453, ClinGen allele CA365871822.